The following is an entry in ClinVar:

NM_001365068.1(ASTN2):c.426G>T (p.Leu142=)

Gene: ASTN2 (astrotactin 2; minus strand). Cytogenetic location: 9q33.1.
Variant type: single nucleotide variant.
Coding change: c.426G>T on transcript NM_001365068.1 (MANE Select); coding-DNA position 426, G replaced by T.
Protein change: p.Leu142=; no amino-acid change (leucine 142 retained).
Molecular consequence: synonymous variant.
Genome position (GRCh38, 1-based): chr9:117,414,513, C>A on the plus strand (G>T on the coding strand, the complement: ASTN2 is on the minus strand). VCF-style: chr9-117414513-C-A. GRCh37 (hg19) VCF-style: chr9-120176791-C-A.
Other names: c.426G>T, p.Leu142= (NM_001365069.1, NM_014010.5).
Identifiers: ClinVar variation 3044259 (VCV003044259.2), dbSNP rs146304956, ClinGen allele CA5212063.

ClinVar aggregate classification (germline): Likely benign (0 of 4 stars; one submission).

Conditions:
ASTN2-related disorder. Also called: ASTN2-related condition.

Allele frequency attached by ClinVar (database versions not stated): TOPMed 0.00085; ESP Exome Variant Server 0.00092; gnomAD 0.00095; ExAC 0.00029; 1000 Genomes Project 30x 0.00094; 1000 Genomes Project 0.00080.
gnomAD v4.1: 261 of 1,609,168 alleles (0.016%); highest among the groups gnomAD compares: African/African-American, 0.34%; no homozygotes.

Submission:

PreventionGenetics, part of Exact Sciences
Classification: Likely benign for ASTN2-related condition. Last evaluated: 2019-06-06. Review status: no assertion criteria provided. Collection method: clinical testing. Allele origin: germline.
Comment: This variant is classified as likely benign based on ACMG/AMP sequence variant interpretation guidelines (Richards et al. 2015 PMID: 25741868, with internal and published modifications).